The following is an entry in ClinVar:

NM_018180.3(DHX32):c.2083C>G (p.Gln695Glu)

Genes: BCCIP (BRCA2 and CDKN1A interacting protein; plus strand), DHX32 (DEAH-box helicase 32 (putative); minus strand). Cytogenetic location: 10q26.2.
Variant type: single nucleotide variant.
Coding change: c.2083C>G on transcript NM_018180.3 (MANE Select); coding-DNA position 2083, C replaced by G.
Protein change: p.Gln695Glu; replaces glutamine 695 with glutamic acid.
Molecular consequence: missense variant. On other transcripts: intron variant (2).
Genome position (GRCh38, 1-based): chr10:125,836,836, G>C on the plus strand (C>G on the coding strand, the complement: DHX32 is on the minus strand). VCF-style: chr10-125836836-G-C. GRCh37 (hg19) VCF-style: chr10-127525405-G-C.
Other names: c.774+2890G>C (NM_016567.4, NM_078469.3); short protein forms Q695E.
Identifiers: ClinVar variation 3082192 (VCV003082192.3), dbSNP rs773108161, ClinGen allele CA5738966.

ClinVar aggregate classification (germline): Uncertain significance. Review status: criteria provided, multiple submitters, no conflicts (2 of 4 stars). 2 submissions from 2 submitters: Uncertain significance (2). Last evaluated 2024-10-30.

Submissions (2):

Labcorp Genetics (formerly Invitae), Labcorp
Classification: Uncertain significance. Last evaluated: 2024-10-30. Review status: criteria provided, single submitter. Criteria: Invitae Variant Classification Sherloc (09022015). Collection method: clinical testing. Allele origin: germline.
Comment: This sequence change replaces glutamine, which is neutral and polar, with glutamic acid, which is acidic and polar, at codon 695 of the DHX32 protein (p.Gln695Glu). This variant is present in population databases (rs773108161, gnomAD 0.02%). This variant has not been reported in the literature in individuals affected with DHX32-related conditions. ClinVar contains an entry for this variant (Variation ID: 3082192). An algorithm developed to predict the effect of missense changes on protein structure and function (PolyPhen-2) suggests that this variant is likely to be tolerated. In summary, the available evidence is currently insufficient to determine the role of this variant in disease. Therefore, it has been classified as a Variant of Uncertain Significance.

Ambry Genetics
Classification: Uncertain significance. Last evaluated: 2024-02-27. Review status: criteria provided, single submitter. Criteria: Ambry Variant Classification Scheme 2023. Collection method: clinical testing. Allele origin: germline.